The following is an entry in ClinVar:

ClinVar aggregate classification (germline): Likely benign. Review status: criteria provided, multiple submitters, no conflicts (2 of 4 stars). 2 submissions from 2 submitters: Likely benign (2). Last evaluated 2024-07-20.

Conditions:
Hypertrophic cardiomyopathy. Also called: HYPERTROPHIC MYOCARDIOPATHY. Identifiers: Orphanet 217569, MedGen C0007194, MeSH D002312, MONDO:0005045, HP:0001639.

Submissions (2):

All of Us Research Program, National Institutes of Health
Classification: Likely benign for Hypertrophic cardiomyopathy. Last evaluated: 2024-07-20. Review status: criteria provided, single submitter. Criteria: ACMG Guidelines, 2015. Collection method: clinical testing. Allele origin: germline. Inheritance: Autosomal dominant inheritance. Observed: 1 variant allele, 1 heterozygote.
Comment: This study involves interpretation of variants in research participants for the purpose of population health screening. Participant phenotype was not available at the time of variant classification. Additional details can be found in publication PMID: 35346344, PMCID: PMC8962531

Labcorp Genetics (formerly Invitae), Labcorp
Classification: Likely benign for Hypertrophic cardiomyopathy. Last evaluated: 2019-02-18. Review status: criteria provided, single submitter. Criteria: Invitae Variant Classification Sherloc (09022015). Collection method: clinical testing. Allele origin: germline.

NM_000256.3(MYBPC3):c.2808G>C (p.Thr936=)

Gene: MYBPC3 (myosin binding protein C3; minus strand). Cytogenetic location: 11p11.2.
Variant type: single nucleotide variant.
Coding change: c.2808G>C on transcript NM_000256.3 (MANE Select); coding-DNA position 2808, G replaced by C.
Protein change: p.Thr936=; no amino-acid change (threonine 936 retained).
Molecular consequence: synonymous variant.
Genome position (GRCh38, 1-based): chr11:47,335,139, C>G on the plus strand (G>C on the coding strand, the complement: MYBPC3 is on the minus strand). VCF-style: chr11-47335139-C-G. GRCh37 (hg19) VCF-style: chr11-47356690-C-G.
Identifiers: ClinVar variation 1093787 (VCV001093787.10), dbSNP rs370530334, ClinGen allele CA474213175.